The following is an entry in ClinVar:

ClinVar aggregate classification (germline): Uncertain significance. Review status: criteria provided, multiple submitters, no conflicts (2 of 4 stars). 3 submissions from 3 submitters: Uncertain significance (3). Last evaluated 2023-11-03.

Conditions:
Emery-Dreifuss muscular dystrophy 4, autosomal dominant (EDMD4). Also called: EMERY-DREIFUSS MUSCULAR DYSTROPHY 4 WITH VARIABLE FEATURES. Identifiers: Orphanet 261, MedGen C2751807, MONDO:0013071, OMIM 612998.
Autosomal recessive ataxia, Beauce type. Also called: SYNE1 Deficiency; Spinocerebellar ataxia, autosomal recessive 8; ATAXIA, RECESSIVE, OF BEAUCE; SYNE1-Related Autosomal Recessive Cerebellar Ataxia. Identifiers: Orphanet 88644, MedGen C1853116, MONDO:0012549, OMIM 610743.

Allele frequency attached by ClinVar (database versions not stated): gnomAD 0.00002; gnomAD exomes 0.00002; TOPMed 0.00002; ExAC 0.00002.
gnomAD v4.1: 30 of 1,613,942 alleles (0.0019%); highest among the groups gnomAD compares: Admixed American, 0.0033%; no homozygotes.

Submissions (3):

Labcorp Genetics (formerly Invitae), Labcorp
Classification: Uncertain significance for Emery-Dreifuss muscular dystrophy 4, autosomal dominant; Autosomal recessive ataxia, Beauce type. Last evaluated: 2023-11-03. Review status: criteria provided, single submitter. Criteria: Invitae Variant Classification Sherloc (09022015). Collection method: clinical testing. Allele origin: germline.
Comment: This sequence change replaces arginine, which is basic and polar, with histidine, which is basic and polar, at codon 2375 of the SYNE1 protein (p.Arg2375His). This variant is present in population databases (rs755821648, gnomAD 0.006%). This variant has not been reported in the literature in individuals affected with SYNE1-related conditions. ClinVar contains an entry for this variant (Variation ID: 500552). An algorithm developed to predict the effect of missense changes on protein structure and function (PolyPhen-2) suggests that this variant is likely to be disruptive. In summary, the available evidence is currently insufficient to determine the role of this variant in disease. Therefore, it has been classified as a Variant of Uncertain Significance.

Revvity Omics, Revvity
Classification: Uncertain significance. Last evaluated: 2020-09-10. Review status: criteria provided, single submitter. Criteria: ACMG Guidelines, 2015. Collection method: clinical testing. Allele origin: germline.

Eurofins Ntd Llc (ga)
Classification: Uncertain significance. Last evaluated: 2017-02-27. Review status: criteria provided, single submitter. Criteria: EGL Classification Definitions 2015. Collection method: clinical testing. Allele origin: germline. Observed: 1 variant allele, 1 heterozygote.

NM_182961.4(SYNE1):c.7103G>A (p.Arg2368His)

Gene: SYNE1 (spectrin repeat containing nuclear envelope protein 1; minus strand). Cytogenetic location: 6q25.2.
Variant type: single nucleotide variant.
Coding change: c.7103G>A on transcript NM_182961.4 (MANE Select); coding-DNA position 7103, G replaced by A.
Protein change: p.Arg2368His; replaces arginine 2368 with histidine.
Molecular consequence: missense variant.
Genome position (GRCh38, 1-based): chr6:152,399,750, C>T on the plus strand (G>A on the coding strand, the complement: SYNE1 is on the minus strand). VCF-style: chr6-152399750-C-T. GRCh37 (hg19) VCF-style: chr6-152720885-C-T.
Other names: c.7124G>A (NM_033071.3); c.7124G>A, p.Arg2375His (NM_033071.5); short protein forms R2368H, R2375H.
Identifiers: ClinVar variation 500552 (VCV000500552.11), dbSNP rs755821648, ClinGen allele CA4057912.